The following is an entry in ClinVar:

NM_001972.4(ELANE):c.701C>T (p.Pro234Leu)

Gene: ELANE (elastase, neutrophil expressed; plus strand). Cytogenetic location: 19p13.3.
Variant type: single nucleotide variant.
Coding change: c.701C>T on transcript NM_001972.4 (MANE Select); coding-DNA position 701, C replaced by T.
Protein change: p.Pro234Leu; replaces proline 234 with leucine.
Molecular consequence: missense variant.
Genome position (GRCh38, 1-based): chr19:856,061, C>T. VCF-style: chr19-856061-C-T. GRCh37 (hg19) VCF-style: chr19-856061-C-T.
Other names: short protein forms P234L.
Identifiers: ClinVar variation 811949 (VCV000811949.16), dbSNP rs760263661, ClinGen allele CA9026145.
Genomic context (GRCh38, chr19:856,061, plus strand): 5'-GAATTGCCTCCTTCGTCCGGGGAGGCTGCGCCTCAGGGCTCTACCCCGATGCCTTTGCCC[C>T]GGTGGCACAGTTTGTAAACTGGATCGACTCTATCATCCAACGCTCCGAGGACAACCCCTG-3'
Protein context (NP_001963.1, residues 224-244): ASGLYPDAFA[Pro234Leu]VAQFVNWIDS

ClinVar aggregate classification (germline): Uncertain significance. Review status: criteria provided, multiple submitters, no conflicts (2 of 4 stars). 2 submissions from 2 submitters: Uncertain significance (2). Last evaluated 2025-11-12.

Conditions:
Cyclical neutropenia. Also called: Cyclic Neutropenia; Cyclic hematopoiesis. Identifiers: Orphanet 2686, MedGen C0221023, MONDO:0008090, OMIM 162800, HP:0040289. Disease mechanism: loss of function.
Neutropenia, severe congenital, 1, autosomal dominant. Identifiers: MedGen C1859966, MONDO:0042490, OMIM 202700.

Allele frequency attached by ClinVar (database versions not stated): gnomAD below 0.00001 and 0.00002; ExAC 0.00002; gnomAD exomes 0.00002; TOPMed 0.00002.

Submissions (2):

Labcorp Genetics (formerly Invitae), Labcorp
Classification: Uncertain significance for Neutropenia, severe congenital, 1, autosomal dominant; Cyclical neutropenia. Last evaluated: 2025-11-12. Review status: criteria provided, single submitter. Criteria: Invitae Variant Classification Sherloc (09022015). Collection method: clinical testing. Allele origin: germline.
Comment: This sequence change replaces proline, which is neutral and non-polar, with leucine, which is neutral and non-polar, at codon 234 of the ELANE protein (p.Pro234Leu). This variant is present in population databases (rs760263661, gnomAD 0.02%). This variant has not been reported in the literature in individuals affected with ELANE-related conditions. ClinVar contains an entry for this variant (Variation ID: 811949). Invitae Evidence Modeling of protein sequence and biophysical properties (such as structural, functional, and spatial information, amino acid conservation, physicochemical variation, residue mobility, and thermodynamic stability) has been performed for this missense variant. However, the output from this modeling did not meet the statistical confidence thresholds required to predict the impact of this variant on ELANE protein function. In summary, the available evidence is currently insufficient to determine the role of this variant in disease. Therefore, it has been classified as a Variant of Uncertain Significance.

ARUP Laboratories, Molecular Genetics and Genomics, ARUP Laboratories
Classification: Uncertain significance. Last evaluated: 2019-04-05. Review status: criteria provided, single submitter. Criteria: ARUP Molecular Germline Variant Investigation Process. Collection method: clinical testing. Allele origin: germline.